The following is an entry in ClinVar:

ClinVar aggregate classification (germline): Conflicting classifications of pathogenicity. Review status: criteria provided, conflicting classifications (1 of 4 stars). 2 submissions from 2 submitters: Uncertain significance (1); Benign (1). Last evaluated 2019-07-12.

Conditions:
MELAS syndrome (MELAS). Also called: Juvenile myopathy, encephalopathy, lactic acidosis, stroke. Identifiers: Orphanet 550, MedGen C0162671, MONDO:0010789, OMIM 540000.

Submissions (2):

Wong Mito Lab, Molecular and Human Genetics, Baylor College of Medicine
Classification: Benign for MELAS syndrome. Last evaluated: 2019-07-12. Review status: criteria provided, single submitter. Criteria: Modified ACMG Guidelines (Unpublished). Collection method: clinical testing. Allele origin: germline.
Comment: The NC_012920.1:m.4316A>G variant in MT-TI gene is interpreted to be a Benign variant based on the modified ACMG guidelines (unpublished). This variant meets the following evidence codes reported in the guidelines: BS1, BS4

Stanford Center for Inherited Cardiovascular Disease, Stanford University
Classification: Uncertain significance. Last evaluated: 2011-10-06. Review status: criteria provided, single submitter. Criteria: ACMG Guidelines, 2015. Collection method: provider interpretation. Allele origin: germline.

Literature cited by the submitters: PubMed 31965079 (cited by Wong Mito Lab, Molecular and Human Genetics, Baylor College of Medicine); PubMed 21144833 (cited by Wong Mito Lab, Molecular and Human Genetics, Baylor College of Medicine).

NC_012920.1(MT-TI):m.4316A>G

Gene: MT-TI (mitochondrially encoded tRNA isoleucine; plus strand).
Variant type: single nucleotide variant.
Genome position: chrM-4316-A-G.
Identifiers: ClinVar variation 235014 (VCV000235014.3), dbSNP rs876661360, ClinGen allele CA10581202.